The following is an entry in ClinVar:

ClinVar aggregate classification (germline): Benign. Review status: criteria provided, multiple submitters, no conflicts (2 of 4 stars). 3 submissions from 3 submitters: Benign (3). Last evaluated 2018-11-12.

Conditions:
Bartter disease type 1. Also called: HYPERPROSTAGLANDIN E SYNDROME 1; HYPOKALEMIC ALKALOSIS WITH HYPERCALCIURIA 1, ANTENATAL; Bartter syndrome, type 1, antenatal; Bartter Syndrome type 1. Identifiers: Orphanet 112, Orphanet 620217, MedGen C1866495, MONDO:0100344, OMIM 601678, MONDO:0011127.

Allele frequency attached by ClinVar (database versions not stated): 1000 Genomes Project 0.73522; 1000 Genomes Project 30x 0.73688; TOPMed 0.81790; gnomAD 0.82831 and 0.82844; gnomAD exomes 0.92380.
gnomAD v4.1: 687,345 of 760,088 alleles (90%); highest among the groups gnomAD compares: Non-Finnish European, 96%; 316,669 homozygotes.

Submissions (3):

GeneDx
Classification: Benign. Last evaluated: 2018-11-12. Review status: criteria provided, single submitter. Criteria: GeneDx Variant Classification Process June 2021. Collection method: clinical testing. Allele origin: germline. Affected: yes.

Illumina Laboratory Services, Illumina
Classification: Benign for Bartter disease type 1. Last evaluated: 2018-01-13. Review status: criteria provided, single submitter. Criteria: ICSL Variant Classification Criteria 13 December 2019. Collection method: clinical testing. Allele origin: germline.
Comment: This variant was observed in the ICSL laboratory as part of a predisposition screen in an ostensibly healthy population. It had not been previously curated by ICSL or reported in the Human Gene Mutation Database (HGMD: prior to June 1st, 2018), and was therefore a candidate for classification through an automated scoring system. Utilizing variant allele frequency, disease prevalence and penetrance estimates, and inheritance mode, an automated score was calculated to assess if this variant is too frequent to cause the disease. Based on the score and internal cut-off values, a variant classified as benign is not then subjected to further curation. The score for this variant resulted in a classification of benign for this disease.

Breakthrough Genomics
Classification: Benign. Review status: criteria provided, single submitter. Criteria: ACMG Guidelines, 2015. Collection method: not provided. Allele origin: germline. Inheritance: Autosomal recessive inheritance. Affected: yes.

NM_000338.3(SLC12A1):c.*110G>T

Gene: SLC12A1 (solute carrier family 12 member 1; plus strand). Cytogenetic location: 15q21.1.
Variant type: single nucleotide variant.
Coding change: c.*110G>T on transcript NM_000338.3 (MANE Select); 110 bases downstream of the stop codon, G replaced by T.
Molecular consequence: 3 prime UTR variant.
Genome position (GRCh38, 1-based): chr15:48,302,995, G>T. VCF-style: chr15-48302995-G-T. GRCh37 (hg19) VCF-style: chr15-48595192-G-T.
Other names: c.*110G>T (NM_001184832.2).
Identifiers: ClinVar variation 316285 (VCV000316285.8), dbSNP rs8025278, ClinGen allele CA10646135.